The following is an entry in ClinVar:

NM_003640.5(ELP1):c.958+1G>T

Gene: ELP1 (elongator acetyltransferase complex subunit 1; minus strand). Cytogenetic location: 9q31.3.
Variant type: single nucleotide variant.
Coding change: c.958+1G>T on transcript NM_003640.5 (MANE Select); the canonical splice donor site of the intron after coding-DNA position 958, G replaced by T.
Molecular consequence: splice donor variant.
Genome position (GRCh38, 1-based): chr9:108,916,203, C>A on the plus strand (G>T on the coding strand, the complement: ELP1 is on the minus strand). VCF-style: chr9-108916203-C-A. GRCh37 (hg19) VCF-style: chr9-111678483-C-A.
Other names: c.616+1G>T (NM_001318360.2); c.-90+1G>T (NM_001330749.2).
Identifiers: ClinVar variation 5007371 (VCV005007371.2).

ClinVar aggregate classification (germline): Likely pathogenic (1 of 4 stars; one submission).

Conditions:
Familial dysautonomia. Also called: HSAN III; FD. Identifiers: Orphanet 1764, MedGen C0013364, MONDO:0009131, OMIM 223900. Disease mechanism: loss of function.

Submission:

Juno Genomics, Hangzhou Juno Genomics, Inc
Classification: Likely pathogenic for Familial dysautonomia. Review status: criteria provided, single submitter. Criteria: ACMG Guidelines, 2015. Collection method: clinical testing. Allele origin: germline.
Comment: Null variant in a gene where loss of function (LOF) is a known mechanism of disease.;Absent from controls (or at extremely low frequency if recessive) in Genome Aggregation Database.